The following is an entry in ClinVar:

ClinVar aggregate classification (germline): Pathogenic (1 of 4 stars; one submission).

Conditions:
Hereditary pheochromocytoma and paraganglioma. Also called: Hereditary pheochromocytoma-paraganglioma; Hereditary Paraganglioma-Pheochromocytoma Syndromes; Hereditary paragangliomas and pheochromocytomas. Identifiers: Orphanet 29072, MedGen C4274332, MONDO:0017366.

Submission:

Labcorp Genetics (formerly Invitae), Labcorp
Classification: Pathogenic for Hereditary pheochromocytoma and paraganglioma. Last evaluated: 2025-03-23. Review status: criteria provided, single submitter. Criteria: Invitae Variant Classification Sherloc (09022015). Collection method: clinical testing. Allele origin: germline.
Comment: This sequence change affects the initiator methionine of the TMEM127 mRNA. The next in-frame methionine is located at codon 85. This variant is not present in population databases (gnomAD no frequency). Disruption of the initiator codon has been observed in individuals with paraganglioma-pheochromocytoma syndromes (PMID: 29282712; internal data). Algorithms developed to predict the effect of variants on gene product structure and function are not available or were not evaluated for this variant. Experimental studies have shown that disruption of the initiator codon affects TMEM127 function (PMID: 21156949). This variant disrupts a region of the TMEM127 protein in which other variant(s) (p.Ala47Asp) have been observed in individuals with TMEM127-related conditions (PMID: 20923864). This suggests that this is a clinically significant region of the protein, and that variants that disrupt it are likely to be disease-causing. For these reasons, this variant has been classified as Pathogenic.

Literature cited by the submitters: PubMed 29282712; PubMed 21156949; PubMed 20923864.

NM_017849.4(TMEM127):c.1A>C (p.Met1Leu)

Genes: TMEM127 (transmembrane protein 127; minus strand), LOC129934333 (ATAC-STARR-seq lymphoblastoid silent region 11759; plus strand). Cytogenetic location: 2q11.2.
Variant type: single nucleotide variant.
Coding change: c.1A>C on transcript NM_017849.4 (MANE Select); coding-DNA position 1, A replaced by C.
Protein change: p.Met1Leu; changes the start codon (methionine 1).
Molecular consequence: missense variant, initiator codon variant. On other transcripts: intron variant (1).
Genome position (GRCh38, 1-based): chr2:96,265,381, T>G on the plus strand (A>C on the coding strand, the complement: TMEM127 is on the minus strand). VCF-style: chr2-96265381-T-G. GRCh37 (hg19) VCF-style: chr2-96931119-T-G.
Other names: c.1A>C, p.Met1Leu (NM_001193304.3); c.-9+488A>C (NM_001407283.1); short protein forms M1L.
Identifiers: ClinVar variation 4739338 (VCV004739338.1).